The following is an entry in ClinVar:

NC_000016.9:g.(?_3658425)_(3658971_?)del

Gene: SLX4 (SLX4 structure-specific endonuclease subunit; minus strand). Cytogenetic location: 16p13.3.
Variant type: Deletion.
Identifiers: ClinVar variation 1070617 (VCV001070617.7).

ClinVar aggregate classification (germline): Pathogenic (1 of 4 stars; one submission).

Conditions:
Fanconi anemia (FA). Also called: Fanconi's anemia. Identifiers: Orphanet 84, MedGen C0015625, MeSH D005199, MONDO:0019391.

Submission:

Labcorp Genetics (formerly Invitae), Labcorp
Classification: Pathogenic for Fanconi anemia. Last evaluated: 2016-10-25. Review status: criteria provided, single submitter. Criteria: Invitae Variant Classification Sherloc (09022015). Collection method: clinical testing. Allele origin: germline.
Comment: For these reasons, this variant has been classified as Pathogenic. While this particular variant has not been reported in the literature, loss-of-function variants in SLX4 are known to be pathogenic (PMID: 21240277). This variant is a gross deletion of the genomic region encompassing exon 2 of the SLX4 gene, which includes the initiator codon. The 5' end of this event is unknown as it extends beyond the assayed region for this gene and therefore may encompass additional genes. The 3' boundary is likely confined to intron 2 of the SLX4 gene. This is expected to result in an absent or disrupted protein product.

Literature cited by the submitters: PubMed 21240277.